The following is an entry in ClinVar:

ClinVar aggregate classification (germline): Uncertain significance (1 of 4 stars; one submission).

Conditions:
Inborn genetic diseases. Identifiers: MedGen C0950123, MeSH D030342.

gnomAD v4.1: 4 of 1,603,818 alleles (0.00025%); highest among the groups gnomAD compares: Admixed American, 0.0052%; no homozygotes.

Submission:

Ambry Genetics
Classification: Uncertain significance for Inborn genetic diseases. Last evaluated: 2024-11-30. Review status: criteria provided, single submitter. Criteria: Ambry Variant Classification Scheme 2023. Collection method: clinical testing. Allele origin: germline.
Comment: The p.C623G variant (also known as c.1867T>G), located in coding exon 13 of the ERCC6L2 gene, results from a T to G substitution at nucleotide position 1867. The cysteine at codon 623 is replaced by glycine, an amino acid with highly dissimilar properties. This amino acid position is conserved. In addition, the in silico prediction for this alteration is inconclusive. Based on the available evidence, the clinical significance of this variant remains unclear.

NM_020207.7(ERCC6L2):c.1867T>G (p.Cys623Gly)

Gene: ERCC6L2 (ERCC excision repair 6 like 2; plus strand). Cytogenetic location: 9q22.32.
Variant type: single nucleotide variant.
Coding change: c.1867T>G on transcript NM_020207.7 (MANE Select); coding-DNA position 1867, T replaced by G.
Protein change: p.Cys623Gly; replaces cysteine 623 with glycine.
Molecular consequence: missense variant. On other transcripts: non-coding transcript variant (1).
Genome position (GRCh38, 1-based): chr9:95,955,933, T>G. VCF-style: chr9-95955933-T-G. GRCh37 (hg19) VCF-style: chr9-98718215-T-G.
Other names: c.1867T>G, p.Cys623Gly (NM_001010895.4, NM_001375291.1, NM_001375292.1 and 2 more transcripts); short protein forms C623G.
Identifiers: ClinVar variation 3510009 (VCV003510009.1).